The following is an entry in ClinVar:

NM_001013838.3(CARMIL2):c.143G>A (p.Arg48Gln)

Gene: CARMIL2 (capping protein regulator and myosin 1 linker 2; plus strand). Cytogenetic location: 16q22.1.
Variant type: single nucleotide variant.
Coding change: c.143G>A on transcript NM_001013838.3 (MANE Select); coding-DNA position 143, G replaced by A.
Protein change: p.Arg48Gln; replaces arginine 48 with glutamine.
Molecular consequence: missense variant.
Genome position (GRCh38, 1-based): chr16:67,645,734, G>A. VCF-style: chr16-67645734-G-A. GRCh37 (hg19) VCF-style: chr16-67679637-G-A.
Other names: c.143G>A, p.Arg48Gln (NM_001317026.3); short protein forms R48Q.
Identifiers: ClinVar variation 1437158 (VCV001437158.7), dbSNP rs576724511, ClinGen allele CA8112944.

ClinVar aggregate classification (germline): Uncertain significance (1 of 4 stars; one submission).

Allele frequency attached by ClinVar (database versions not stated): TOPMed 0.00003; 1000 Genomes Project 0.00020; 1000 Genomes Project 30x 0.00031.
gnomAD v4.1: 24 of 1,613,276 alleles (0.0015%); highest among the groups gnomAD compares: East Asian, 0.036%; no homozygotes.

Submission:

Labcorp Genetics (formerly Invitae), Labcorp
Classification: Uncertain significance. Last evaluated: 2025-11-03. Review status: criteria provided, single submitter. Criteria: Invitae Variant Classification Sherloc (09022015). Collection method: clinical testing. Allele origin: germline.
Comment: This sequence change replaces arginine, which is basic and polar, with glutamine, which is neutral and polar, at codon 48 of the CARMIL2 protein (p.Arg48Gln). This variant is present in population databases (rs576724511, gnomAD 0.04%). This variant has not been reported in the literature in individuals affected with CARMIL2-related conditions. ClinVar contains an entry for this variant (Variation ID: 1437158). Invitae Evidence Modeling of protein sequence and biophysical properties (such as structural, functional, and spatial information, amino acid conservation, physicochemical variation, residue mobility, and thermodynamic stability) indicates that this missense variant is not expected to disrupt CARMIL2 protein function with a negative predictive value of 80%. In summary, the available evidence is currently insufficient to determine the role of this variant in disease. Therefore, it has been classified as a Variant of Uncertain Significance.